The following is an entry in ClinVar:

NM_000368.5(TSC1):c.1645A>G (p.Lys549Glu)

Gene: TSC1 (TSC complex subunit 1; minus strand). Cytogenetic location: 9q34.13.
Variant type: single nucleotide variant.
Coding change: c.1645A>G on transcript NM_000368.5 (MANE Select); coding-DNA position 1645, A replaced by G.
Protein change: p.Lys549Glu; replaces lysine 549 with glutamic acid.
Molecular consequence: missense variant.
Genome position (GRCh38, 1-based): chr9:132,905,933, T>C on the plus strand (A>G on the coding strand, the complement: TSC1 is on the minus strand). VCF-style: chr9-132905933-T-C. GRCh37 (hg19) VCF-style: chr9-135781320-T-C.
Other names: c.1642A>G, p.Lys548Glu (NM_001162426.2, NM_001406597.1, NM_001406598.1 and 6 more transcripts); c.1492A>G, p.Lys498Glu (NM_001162427.2, NM_001406610.1); c.1282A>G, p.Lys428Glu (NM_001362177.2, NM_001406614.1, NM_001406615.1 and 5 more transcripts); c.1645A>G, p.Lys549Glu (NM_001406592.1, NM_001406593.1, NM_001406594.1 and 7 more transcripts); c.1489A>G, p.Lys497Glu (NM_001406611.1, NM_001406612.1, NM_001406613.1); c.1279A>G, p.Lys427Glu (NM_001406620.1, NM_001406621.1, NM_001406622.1 and 2 more transcripts); c.694A>G, p.Lys232Glu (NM_001406626.1); c.691A>G, p.Lys231Glu (NM_001406627.1, NM_001406628.1); and 1 more; short protein forms K428E, K498E, K232E, K497E, K549E, K427E, K198E, K231E.
Identifiers: ClinVar variation 1777131 (VCV001777131.2), dbSNP rs2131835742, ClinGen allele CA375364494.

ClinVar aggregate classification (germline): Uncertain significance (1 of 4 stars; one submission).

Conditions:
Hereditary cancer-predisposing syndrome. Also called: Neoplastic Syndromes, Hereditary; Tumor predisposition; Hereditary Cancer Syndrome; Hereditary neoplastic syndrome. Identifiers: Orphanet 140162, MedGen C0027672, MeSH D009386, MONDO:0015356.

Submission:

Ambry Genetics
Classification: Uncertain significance for Hereditary cancer-predisposing syndrome. Last evaluated: 2022-03-24. Review status: criteria provided, single submitter. Criteria: Ambry Variant Classification Scheme 2023. Collection method: clinical testing. Allele origin: germline.
Comment: The p.K549E variant (also known as c.1645A>G), located in coding exon 13 of the TSC1 gene, results from an A to G substitution at nucleotide position 1645. The lysine at codon 549 is replaced by glutamic acid, an amino acid with similar properties. This amino acid position is conserved. In addition, this alteration is predicted to be tolerated by in silico analysis. Since supporting evidence is limited at this time, the clinical significance of this alteration remains unclear.